The following is an entry in ClinVar:

ClinVar aggregate classification (germline): Benign/Likely benign. Review status: criteria provided, multiple submitters, no conflicts (2 of 4 stars). 4 submissions from 4 submitters: Benign (2); Likely benign (1). 1 of the submissions does not count toward it. Last evaluated 2024-11-27.

Conditions:
SFTPA2-related disorder. Also called: SFTPA2-related condition.

Allele frequency attached by ClinVar (database versions not stated): TOPMed 0.92351; gnomAD 0.92471 and 0.92765; 1000 Genomes Project 30x 0.93754; 1000 Genomes Project 0.94050; ExAC 0.94823; gnomAD exomes 0.95080.

Submissions (4):

Blueprint Genetics
Classification: Likely benign. Last evaluated: 2024-11-27. Review status: criteria provided, single submitter. Criteria: ACMG Guidelines, 2015. Collection method: clinical testing. Allele origin: germline.

GeneDx
Classification: Benign. Last evaluated: 2018-11-12. Review status: criteria provided, single submitter. Criteria: GeneDx Variant Classification Process June 2021. Collection method: clinical testing. Allele origin: germline. Affected: yes.

Breakthrough Genomics
Classification: Benign. Review status: criteria provided, single submitter. Criteria: ACMG Guidelines, 2015. Collection method: not provided. Allele origin: germline. Inheritance: Autosomal dominant inheritance. Affected: yes.

PreventionGenetics, part of Exact Sciences
Classification: Benign for SFTPA2-related condition. Last evaluated: 2021-07-01. Review status: no assertion criteria provided. Collection method: clinical testing. Allele origin: germline. Not counted in ClinVar's aggregate classification.
Comment: This variant is classified as benign based on ACMG/AMP sequence variant interpretation guidelines (Richards et al. 2015 PMID: 25741868, with internal and published modifications).

NM_001098668.4(SFTPA2):c.-23-161G>A

Gene: SFTPA2 (surfactant protein A2; minus strand). Cytogenetic location: 10q22.3.
Variant type: single nucleotide variant.
Coding change: c.-23-161G>A on transcript NM_001098668.4 (MANE Select); 161 bases into the intron before 23 bases upstream of the start codon, G replaced by A.
Molecular consequence: intron variant.
Genome position (GRCh38, 1-based): chr10:79,559,667, C>T on the plus strand (G>A on the coding strand, the complement: SFTPA2 is on the minus strand). VCF-style: chr10-79559667-C-T. GRCh37 (hg19) VCF-style: chr10-81319423-C-T.
Other names: c.-26-158G>A (NM_001320813.2); c.7+8G>A (NM_001320814.1).
Identifiers: ClinVar variation 1278406 (VCV001278406.5), dbSNP rs1975008, ClinGen allele CA5574281.
Genomic context (GRCh38, chr10:79,559,667, plus strand): 5'-GGGCGGGCGAGACCAGAGTGCTGGGAAGACCCGAAGCACCCGGGAAAATTCCAAGCATCA[C>T]CTGGCACCTGGCATGGCCTCATGCTTCAGGCCTCCGGCTGGAGGTTGTGGGGTCTCAAGA-3'